The following is an entry in ClinVar:

ClinVar aggregate classification (germline): Conflicting classifications of pathogenicity. Review status: criteria provided, conflicting classifications (1 of 4 stars). 2 submissions from 2 submitters: Uncertain significance (1); Likely benign (1). Last evaluated 2024-05-23.

Allele frequency attached by ClinVar (database versions not stated): TOPMed 0.00008; gnomAD 0.00011; ExAC 0.00022; ESP Exome Variant Server 0.00031; 1000 Genomes Project 0.00040; 1000 Genomes Project 30x 0.00047.
gnomAD v4.1: 238 of 1,610,982 alleles (0.015%); highest among the groups gnomAD compares: Non-Finnish European, 0.016%; no homozygotes.

Submissions (2):

Labcorp Genetics (formerly Invitae), Labcorp
Classification: Uncertain significance. Last evaluated: 2024-05-23. Review status: criteria provided, single submitter. Criteria: Invitae Variant Classification Sherloc (09022015). Collection method: clinical testing. Allele origin: germline.
Comment: This sequence change replaces alanine, which is neutral and non-polar, with valine, which is neutral and non-polar, at codon 2233 of the FBN3 protein (p.Ala2233Val). This variant is present in population databases (rs144400071, gnomAD 0.05%). This variant has not been reported in the literature in individuals affected with FBN3-related conditions. ClinVar contains an entry for this variant (Variation ID: 2561761). Advanced modeling of protein sequence and biophysical properties (such as structural, functional, and spatial information, amino acid conservation, physicochemical variation, residue mobility, and thermodynamic stability) performed at Invitae indicates that this missense variant is not expected to disrupt FBN3 protein function with a negative predictive value of 80%. In summary, the available evidence is currently insufficient to determine the role of this variant in disease. Therefore, it has been classified as a Variant of Uncertain Significance.

Ambry Genetics
Classification: Likely benign. Last evaluated: 2023-04-25. Review status: criteria provided, single submitter. Criteria: Ambry Variant Classification Scheme 2023. Collection method: clinical testing. Allele origin: germline.

NM_032447.5(FBN3):c.6698C>T (p.Ala2233Val)

Gene: FBN3 (fibrillin 3; minus strand). Cytogenetic location: 19p13.2.
Variant type: single nucleotide variant.
Coding change: c.6698C>T on transcript NM_032447.5 (MANE Select); coding-DNA position 6698, C replaced by T.
Protein change: p.Ala2233Val; replaces alanine 2233 with valine.
Molecular consequence: missense variant.
Genome position (GRCh38, 1-based): chr19:8,087,133, G>A on the plus strand (C>T on the coding strand, the complement: FBN3 is on the minus strand). VCF-style: chr19-8087133-G-A. GRCh37 (hg19) VCF-style: chr19-8152017-G-A.
Other names: c.6698C>T, p.Ala2233Val (NM_001321431.2); short protein forms A2233V.
Identifiers: ClinVar variation 2561761 (VCV002561761.5), dbSNP rs144400071, ClinGen allele CA9151170.